The following is an entry in ClinVar:

NM_000143.4(FH):c.34C>G (p.Arg12Gly)

Gene: FH (fumarate hydratase; minus strand). Cytogenetic location: 1q43.
Variant type: single nucleotide variant.
Coding change: c.34C>G on transcript NM_000143.4 (MANE Select); coding-DNA position 34, C replaced by G.
Protein change: p.Arg12Gly; replaces arginine 12 with glycine.
Molecular consequence: missense variant.
Genome position (GRCh38, 1-based): chr1:241,519,689, G>C on the plus strand (C>G on the coding strand, the complement: FH is on the minus strand). VCF-style: chr1-241519689-G-C. GRCh37 (hg19) VCF-style: chr1-241682989-G-C.
Other names: short protein forms R12G.
Identifiers: ClinVar variation 1520705 (VCV001520705.9), dbSNP rs199912971, ClinGen allele CA345443013.

ClinVar aggregate classification (germline): Uncertain significance. Review status: criteria provided, multiple submitters, no conflicts (2 of 4 stars). 3 submissions from 3 submitters: Uncertain significance (2). 1 of the submissions does not count toward it. Last evaluated 2021-09-22.

Conditions:
Hereditary cancer-predisposing syndrome. Also called: Tumor predisposition; Hereditary neoplastic syndrome; Neoplastic Syndromes, Hereditary; Hereditary Cancer Syndrome. Identifiers: Orphanet 140162, MedGen C0027672, MeSH D009386, MONDO:0015356.
Fumarase deficiency (FMRD). Also called: Fumaric aciduria; Fumarate Hydratase Deficiency. Identifiers: Orphanet 24, MedGen C0342770, MONDO:0011730, OMIM 606812.

Submissions (3):

Labcorp Genetics (formerly Invitae), Labcorp
Classification: Uncertain significance. Last evaluated: 2021-09-22. Review status: criteria provided, single submitter. Criteria: Invitae Variant Classification Sherloc (09022015). Collection method: clinical testing. Allele origin: germline.
Comment: This variant has not been reported in the literature in individuals affected with FH-related conditions. This sequence change replaces arginine with glycine at codon 12 of the FH protein (p.Arg12Gly). The arginine residue is moderately conserved and there is a moderate physicochemical difference between arginine and glycine. This variant is not present in population databases (ExAC no frequency). Advanced modeling of protein sequence and biophysical properties (such as structural, functional, and spatial information, amino acid conservation, physicochemical variation, residue mobility, and thermodynamic stability) performed at Invitae indicates that this missense variant is not expected to disrupt FH protein function. In summary, the available evidence is currently insufficient to determine the role of this variant in disease. Therefore, it has been classified as a Variant of Uncertain Significance.

Ambry Genetics
Classification: Uncertain significance for Hereditary cancer-predisposing syndrome. Last evaluated: 2020-03-02. Review status: criteria provided, single submitter. Criteria: Ambry Variant Classification Scheme 2023. Collection method: clinical testing. Allele origin: germline.
Comment: The p.R12G variant (also known as c.34C>G), located in coding exon 1 of the FH gene, results from a C to G substitution at nucleotide position 34. The arginine at codon 12 is replaced by glycine, an amino acid with dissimilar properties. This amino acid position is poorly conserved in available vertebrate species. In addition, the in silico prediction for this alteration is inconclusive. Since supporting evidence is limited at this time, the clinical significance of this alteration remains unclear.

Natera, Inc.
Classification: Uncertain significance for Fumarase Deficiency. Last evaluated: 2025-03-12. Review status: no assertion criteria provided. Collection method: clinical testing. Allele origin: germline. Not counted in ClinVar's aggregate classification.